The following is an entry in ClinVar:

ClinVar aggregate classification (germline): Uncertain significance. Review status: criteria provided, multiple submitters, no conflicts (2 of 4 stars). 2 submissions from 2 submitters: Uncertain significance (2). Last evaluated 2022-08-25.

Conditions:
Inborn genetic diseases. Identifiers: MedGen C0950123, MeSH D030342.
Myopathy, proximal, and ophthalmoplegia (CMYO6). Also called: INCLUSION BODY MYOPATHY 3, AUTOSOMAL DOMINANT; MYOPATHY WITH CONGENITAL JOINT CONTRACTURES, OPHTHALMOPLEGIA, AND RIMMED VACUOLES; CONGENITAL MYOPATHY 6 WITH OPHTHALMOPLEGIA. Identifiers: Orphanet 363677, Orphanet 79091, MedGen C1854106, MONDO:0011577, OMIM 605637.

gnomAD v4.1: 18 of 1,613,934 alleles (0.0011%); highest among the groups gnomAD compares: Non-Finnish European, 0.0015%; no homozygotes.

Submissions (2):

Labcorp Genetics (formerly Invitae), Labcorp
Classification: Uncertain significance for Myopathy, proximal, and ophthalmoplegia. Last evaluated: 2022-08-25. Review status: criteria provided, single submitter. Criteria: Invitae Variant Classification Sherloc (09022015). Collection method: clinical testing. Allele origin: germline.
Comment: This sequence change replaces alanine, which is neutral and non-polar, with glycine, which is neutral and non-polar, at codon 923 of the MYH2 protein (p.Ala923Gly). This variant is present in population databases (no rsID available, gnomAD 0.0009%). This variant has not been reported in the literature in individuals affected with MYH2-related conditions. Algorithms developed to predict the effect of missense changes on protein structure and function are either unavailable or do not agree on the potential impact of this missense change (SIFT: "Deleterious"; PolyPhen-2: "Benign"; Align-GVGD: "Class C55"). In summary, the available evidence is currently insufficient to determine the role of this variant in disease. Therefore, it has been classified as a Variant of Uncertain Significance.

Ambry Genetics
Classification: Uncertain significance for Inborn genetic diseases. Last evaluated: 2021-07-14. Review status: criteria provided, single submitter. Criteria: Ambry Variant Classification Scheme 2023. Collection method: clinical testing. Allele origin: germline.

NM_017534.6(MYH2):c.2768C>G (p.Ala923Gly)

Genes: MYHAS (myosin heavy chain gene cluster antisense RNA; plus strand), MYH2 (myosin heavy chain 2; minus strand). Cytogenetic location: 17p13.1.
Variant type: single nucleotide variant.
Coding change: c.2768C>G on transcript NM_017534.6 (MANE Select); coding-DNA position 2768, C replaced by G.
Protein change: p.Ala923Gly; replaces alanine 923 with glycine.
Molecular consequence: missense variant.
Genome position (GRCh38, 1-based): chr17:10,530,004, G>C on the plus strand (C>G on the coding strand, the complement: MYH2 is on the minus strand). VCF-style: chr17-10530004-G-C. GRCh37 (hg19) VCF-style: chr17-10433321-G-C.
Other names: c.2768C>G, p.Ala923Gly (NM_001100112.2); c.2768C>G (NM_017534.5); short protein forms A923G.
Identifiers: ClinVar variation 2151899 (VCV002151899.5), dbSNP rs1240903804, ClinGen allele CA398142869.